The following is an entry in ClinVar:

ClinVar aggregate classification (germline): Conflicting classifications of pathogenicity. Review status: criteria provided, conflicting classifications (1 of 4 stars). 2 submissions from 2 submitters: Uncertain significance (1); Likely benign (1). Last evaluated 2025-05-19.

Conditions:
Cryopyrin associated periodic syndrome (CAPS). Identifiers: Orphanet 208650, MedGen C2316212, MONDO:0016168.

Allele frequency attached by ClinVar (database versions not stated): gnomAD 0.00001; gnomAD exomes 0.00001; TOPMed 0.00001; ExAC 0.00002; ESP Exome Variant Server 0.00015.
gnomAD v4.1: 13 of 1,613,980 alleles (0.00081%); highest among the groups gnomAD compares: African/African-American, 0.0067%; no homozygotes.

Submissions (2):

Labcorp Genetics (formerly Invitae), Labcorp
Classification: Likely benign for Cryopyrin associated periodic syndrome. Last evaluated: 2025-05-19. Review status: criteria provided, single submitter. Criteria: Invitae Variant Classification Sherloc (09022015). Collection method: clinical testing. Allele origin: germline.

GeneDx
Classification: Uncertain significance. Last evaluated: 2014-02-02. Review status: criteria provided, single submitter. Criteria: GeneDx Variant Classification (06012015). Collection method: clinical testing. Allele origin: germline. Affected: yes.
Comment: To our knowledge, the D212N missense substitution has neither been published as a mutation, nor reported as a benign polymorphism. The D212N variant was not observed at any significant frequency in approximately 6,500 individuals of European and African American ancestry in the NHLBI Exome Sequencing Project. D212N represents a semi-conservative amino acid substitution as a negatively-charged Aspartic Acid residue is replaced with a polar Asparagine residue. The position in the NLRP3 protein where this substitution occurs is not highly conserved among species. Therefore, based on the currently available information, it is unclear whether D212N is a disease-causing mutation or a rare benign variant.

NM_001243133.2(NLRP3):c.628G>A (p.Asp210Asn)

Gene: NLRP3 (NLR family pyrin domain containing 3; plus strand). Cytogenetic location: 1q44.
Variant type: single nucleotide variant.
Coding change: c.628G>A on transcript NM_001243133.2 (MANE Select); coding-DNA position 628, G replaced by A.
Protein change: p.Asp210Asn; replaces aspartic acid 210 with asparagine.
Molecular consequence: missense variant.
Genome position (GRCh38, 1-based): chr1:247,424,077, G>A. VCF-style: chr1-247424077-G-A. GRCh37 (hg19) VCF-style: chr1-247587379-G-A.
Other names: c.628G>A, p.Asp210Asn (NM_001079821.3, NM_001127461.3, NM_001127462.3 and 1 more transcripts); c.634G>A, p.Asp212Asn (NM_004895.5); short protein forms D212N, D210N.
Identifiers: ClinVar variation 234296 (VCV000234296.6), dbSNP rs372038150, ClinGen allele CA1494911.
Genomic context (GRCh38, chr1:247,424,077, plus strand): 5'-AAGACCAAGACGTGTGAGAGCCCCGTGAGTCCCATTAAGATGGAGTTGCTGTTTGACCCC[G>A]ATGATGAGCATTCTGAGCCTGTGCACACCGTGGTGTTCCAGGGGGCGGCAGGGATTGGGA-3'
Protein context (NP_001230062.1, residues 200-220): PIKMELLFDP[Asp210Asn]DEHSEPVHTV